The following is an entry in ClinVar:

ClinVar aggregate classification (germline): Uncertain significance (1 of 4 stars; one submission).

Conditions:
Amyotrophic lateral sclerosis type 4 (ALS4). Also called: NEURONOPATHY, DISTAL HEREDITARY MOTOR, WITH PYRAMIDAL FEATURES; AMYOTROPHIC LATERAL SCLEROSIS 4, JUVENILE. Identifiers: Orphanet 357043, MedGen C1865409, MONDO:0011223, OMIM 602433.
Spinocerebellar ataxia, autosomal recessive, with axonal neuropathy 2 (SCAN2). Also called: Ataxia with Oculomotor Apraxia; Ataxia with Oculomotor Apraxia Type 2; ATAXIA-OCULOMOTOR APRAXIA 2; Ataxia-ocular apraxia-2. Identifiers: Orphanet 64753, MedGen C1853761, MONDO:0018996, OMIM 606002.

Allele frequency attached by ClinVar (database versions not stated): TOPMed 0.00001.

Submission:

Labcorp Genetics (formerly Invitae), Labcorp
Classification: Uncertain significance for Amyotrophic lateral sclerosis type 4; Spinocerebellar ataxia, autosomal recessive, with axonal neuropathy 2. Last evaluated: 2022-01-26. Review status: criteria provided, single submitter. Criteria: Invitae Variant Classification Sherloc (09022015). Collection method: clinical testing. Allele origin: germline.
Comment: This sequence change replaces methionine, which is neutral and non-polar, with lysine, which is basic and polar, at codon 2545 of the SETX protein (p.Met2545Lys). In summary, the available evidence is currently insufficient to determine the role of this variant in disease. Therefore, it has been classified as a Variant of Uncertain Significance. Advanced modeling of protein sequence and biophysical properties (such as structural, functional, and spatial information, amino acid conservation, physicochemical variation, residue mobility, and thermodynamic stability) performed at Invitae indicates that this missense variant is not expected to disrupt SETX protein function. This variant has not been reported in the literature in individuals affected with SETX-related conditions. This variant is not present in population databases (gnomAD no frequency).

NM_015046.7(SETX):c.7634T>A (p.Met2545Lys)

Gene: SETX (senataxin; minus strand). Cytogenetic location: 9q34.13.
Variant type: single nucleotide variant.
Coding change: c.7634T>A on transcript NM_015046.7 (MANE Select); coding-DNA position 7634, T replaced by A.
Protein change: p.Met2545Lys; replaces methionine 2545 with lysine.
Molecular consequence: missense variant.
Genome position (GRCh38, 1-based): chr9:132,264,639, A>T on the plus strand (T>A on the coding strand, the complement: SETX is on the minus strand). VCF-style: chr9-132264639-A-T. GRCh37 (hg19) VCF-style: chr9-135140026-A-T.
Other names: c.7634T>A, p.Met2545Lys (NM_001351527.2); c.7721T>A, p.Met2574Lys (NM_001351528.2); short protein forms M2574K, M2545K.
Identifiers: ClinVar variation 2089791 (VCV002089791.4), dbSNP rs1456901473, ClinGen allele CA375324117.